The following is an entry in ClinVar:

NM_000214.3(JAG1):c.812G>A (p.Cys271Tyr)

Gene: JAG1 (jagged canonical Notch ligand 1; minus strand). Cytogenetic location: 20p12.2.
Variant type: single nucleotide variant.
Coding change: c.812G>A on transcript NM_000214.3 (MANE Select); coding-DNA position 812, G replaced by A.
Protein change: p.Cys271Tyr; replaces cysteine 271 with tyrosine.
Molecular consequence: missense variant.
Genome position (GRCh38, 1-based): chr20:10,652,542, C>T on the plus strand (G>A on the coding strand, the complement: JAG1 is on the minus strand). VCF-style: chr20-10652542-C-T. GRCh37 (hg19) VCF-style: chr20-10633190-C-T.
Other names: short protein forms C271Y.
Identifiers: ClinVar variation 3573105 (VCV003573105.2).

Conditions:
Arteriohepatic dysplasia. Also called: Alagille Syndrome. Identifiers: Orphanet 52, MedGen C0085280, MeSH D016738, MONDO:0007318.

Submission:

Gilbert/Spinner Lab, Children's Hospital of Philadelphia
No classification provided (evidence only). Condition: Alagille syndrome. Review status: no classification provided. Collection method: research. Allele origin: not applicable. Functional consequence: functionally_abnormal.
ClinVar note: "not provided" was previously submitted as the classification for the variant. However, the classification appeared to be based only on an observation of functional data so it was converted to no classification on 2025-07-30.